The following is an entry in ClinVar:

ClinVar aggregate classification (germline): Conflicting classifications of pathogenicity. Review status: criteria provided, conflicting classifications (1 of 4 stars). 3 submissions from 3 submitters: Uncertain significance (2); Likely benign (1). Last evaluated 2025-03-20.

Conditions:
Hereditary cancer-predisposing syndrome. Also called: Hereditary Cancer Syndrome; Hereditary neoplastic syndrome; Neoplastic Syndromes, Hereditary; Tumor predisposition. Identifiers: Orphanet 140162, MedGen C0027672, MeSH D009386, MONDO:0015356.
Hereditary breast ovarian cancer syndrome. Also called: Hereditary breast and ovarian cancer syndrome (HBOC); Hereditary breast and ovarian cancer syndrome; Breast and ovarian cancer; Hereditary breast and/or ovarian cancer syndrome; Hereditary breast and ovarian cancer; BRCA1- and BRCA2-Associated Hereditary Breast and Ovarian Cancer. Identifiers: Orphanet 145, MedGen C0677776, MeSH D061325, MONDO:0003582. Disease mechanism: loss of function.

Submissions (3):

Labcorp Genetics (formerly Invitae), Labcorp
Classification: Uncertain significance for Hereditary breast ovarian cancer syndrome. Last evaluated: 2025-03-20. Review status: criteria provided, single submitter. Criteria: Invitae Variant Classification Sherloc (09022015). Collection method: clinical testing. Allele origin: germline.
Comment: This sequence change replaces alanine, which is neutral and non-polar, with valine, which is neutral and non-polar, at codon 1439 of the BRCA2 protein (p.Ala1439Val). This variant is not present in population databases (gnomAD no frequency). This variant has not been reported in the literature in individuals affected with BRCA2-related conditions. ClinVar contains an entry for this variant (Variation ID: 1739661). Invitae Evidence Modeling of protein sequence and biophysical properties (such as structural, functional, and spatial information, amino acid conservation, physicochemical variation, residue mobility, and thermodynamic stability) indicates that this missense variant is not expected to disrupt BRCA2 protein function with a negative predictive value of 95%. In summary, the available evidence is currently insufficient to determine the role of this variant in disease. Therefore, it has been classified as a Variant of Uncertain Significance.

University of Washington Department of Laboratory Medicine, University of Washington
Classification: Likely benign for Hereditary cancer-predisposing syndrome. Last evaluated: 2023-03-23. Review status: criteria provided, single submitter. Criteria: Dines et al. (Genet Med. 2020). Collection method: curation. Allele origin: germline.
Comment: Missense variant in a coldspot region where missense variants are very unlikely to be pathogenic (PMID:31911673).

BRCA2 exon 11 coldspot. Reclassification based on statistical prior probability.

Ambry Genetics
Classification: Uncertain significance for Hereditary cancer-predisposing syndrome. Last evaluated: 2021-01-04. Review status: criteria provided, single submitter. Criteria: Ambry Variant Classification Scheme 2023. Collection method: clinical testing. Allele origin: germline.
Comment: The p.A1439V variant (also known as c.4316C>T), located in coding exon 10 of the BRCA2 gene, results from a C to T substitution at nucleotide position 4316. The alanine at codon 1439 is replaced by valine, an amino acid with similar properties. This amino acid position is poorly conserved in available vertebrate species. In addition, this alteration is predicted to be tolerated by in silico analysis. Since supporting evidence is limited at this time, the clinical significance of this alteration remains unclear.

NM_000059.4(BRCA2):c.4316C>T (p.Ala1439Val)

Gene: BRCA2 (BRCA2 DNA repair associated; plus strand). Cytogenetic location: 13q13.1.
Variant type: single nucleotide variant.
Coding change: c.4316C>T on transcript NM_000059.4 (MANE Select); coding-DNA position 4316, C replaced by T.
Protein change: p.Ala1439Val; replaces alanine 1439 with valine.
Molecular consequence: missense variant.
Genome position (GRCh38, 1-based): chr13:32,338,671, C>T. VCF-style: chr13-32338671-C-T. GRCh37 (hg19) VCF-style: chr13-32912808-C-T.
Other names: c.4316C>T, p.Ala1439Val (NM_001406719.1, NM_001406720.1); short protein forms A1439V.
Identifiers: ClinVar variation 1739661 (VCV001739661.5), dbSNP rs80358667, ClinGen allele CA387780811.